The following is an entry in ClinVar:

NM_000414.4(HSD17B4):c.220+7T>C

Gene: HSD17B4 (hydroxysteroid 17-beta dehydrogenase 4; plus strand). Cytogenetic location: 5q23.1.
Variant type: single nucleotide variant.
Coding change: c.220+7T>C on transcript NM_000414.4 (MANE Select); 7 bases into the intron after coding-DNA position 220, T replaced by C.
Molecular consequence: intron variant. On other transcripts: splice donor variant (2).
Genome position (GRCh38, 1-based): chr5:119,474,022, T>C. VCF-style: chr5-119474022-T-C. GRCh37 (hg19) VCF-style: chr5-118809717-T-C.
Other names: c.-192+2T>C (NM_001374503.1, NM_001374502.1); c.295+7T>C (NM_001199291.3); c.-61+7T>C (NM_001374499.1); c.-319+7T>C (NM_001374500.1); c.-192+7T>C (NM_001374501.1, NM_001292028.2); c.148+7T>C (NM_001292027.2); c.220+7T>C (NM_001374498.1, NM_001374497.1); c.166+7T>C (NM_001199292.2).
Identifiers: ClinVar variation 4991285 (VCV004991285.1).

ClinVar aggregate classification (germline): Likely benign (1 of 4 stars; one submission).

Conditions:
HSD17B4-related disorder. Also called: HSD17B4-related disorders; HSD17B4-related condition.

Submission:

PreventionGenetics, part of Exact Sciences
Classification: Likely benign for HSD17B4-related condition. Last evaluated: 2025-12-04. Review status: criteria provided, single submitter. Criteria: ACMG Guidelines, 2015. Collection method: clinical testing. Allele origin: germline.
Comment: This variant is classified as likely benign based on ACMG/AMP sequence variant interpretation guidelines (Richards et al. 2015 PMID: 25741868, with internal and published modifications).